The following is an entry in ClinVar:

ClinVar aggregate classification (germline): Uncertain significance. Review status: criteria provided, multiple submitters, no conflicts (2 of 4 stars). 3 submissions from 3 submitters: Uncertain significance (3). Last evaluated 2025-10-22.

Conditions:
Cardiomyopathy (CMYO). Also called: Cardiomyopathies. Identifiers: Orphanet 167848, MedGen C0878544, MONDO:0004994, HP:0001638. Inheritance: Various modes of inheritance.
Hypertrophic cardiomyopathy. Also called: HYPERTROPHIC MYOCARDIOPATHY. Identifiers: Orphanet 217569, MedGen C0007194, MeSH D002312, MONDO:0005045, HP:0001639.
Cardiovascular phenotype. Identifiers: MedGen CN230736.

gnomAD v4.1: 3 of 1,611,058 alleles (0.00019%); no homozygotes.

Submissions (3):

Labcorp Genetics (formerly Invitae), Labcorp
Classification: Uncertain significance for Hypertrophic cardiomyopathy. Last evaluated: 2025-10-22. Review status: criteria provided, single submitter. Criteria: Invitae Variant Classification Sherloc (09022015). Collection method: clinical testing. Allele origin: germline.
Comment: This sequence change replaces glutamic acid, which is acidic and polar, with lysine, which is basic and polar, at codon 66 of the TNNI3 protein (p.Glu66Lys). The frequency data for this variant in the population databases is considered unreliable, as metrics indicate poor data quality at this position in the gnomAD database. This variant has not been reported in the literature in individuals affected with TNNI3-related conditions. ClinVar contains an entry for this variant (Variation ID: 3641031). An algorithm developed to predict the effect of missense changes on protein structure and function (PolyPhen-2) suggests that this variant is likely to be tolerated. In summary, the available evidence is currently insufficient to determine the role of this variant in disease. Therefore, it has been classified as a Variant of Uncertain Significance.

Ambry Genetics
Classification: Uncertain significance for Cardiovascular phenotype. Last evaluated: 2025-06-01. Review status: criteria provided, single submitter. Criteria: Ambry Variant Classification Scheme 2023. Collection method: clinical testing. Allele origin: germline.
Comment: The p.E66K variant (also known as c.196G>A), located in coding exon 5 of the TNNI3 gene, results from a G to A substitution at nucleotide position 196. The glutamic acid at codon 66 is replaced by lysine, an amino acid with similar properties. This amino acid position is conserved. In addition, the in silico prediction for this alteration is inconclusive. Based on the available evidence, the clinical significance of this variant remains unclear.

Color Diagnostics, LLC DBA Color Health
Classification: Uncertain significance for Cardiomyopathy. Last evaluated: 2024-11-17. Review status: criteria provided, single submitter. Criteria: ACMG Guidelines, 2015. Collection method: clinical testing. Allele origin: germline.
Comment: This missense variant replaces glutamic acid with lysine at codon 66 of the TNNI3 protein. Computational prediction suggests that this variant may not impact protein structure and function (internally defined REVEL score threshold <= 0.5, PMID: 27666373). To our knowledge, functional studies have not been reported for this variant. This variant has not been reported in individuals affected with TNNI3-related disorders in the literature. This variant has been identified in 1/236324 chromosomes in the general population by the Genome Aggregation Database (gnomAD). The available evidence is insufficient to determine the role of this variant in disease conclusively. Therefore, this variant is classified as a Variant of Uncertain Significance.

NM_000363.5(TNNI3):c.196G>A (p.Glu66Lys)

Gene: TNNI3 (troponin I3, cardiac type; minus strand). Cytogenetic location: 19q13.42.
Variant type: single nucleotide variant.
Coding change: c.196G>A on transcript NM_000363.5 (MANE Select); coding-DNA position 196, G replaced by A.
Protein change: p.Glu66Lys; replaces glutamic acid 66 with lysine.
Molecular consequence: missense variant.
Genome position (GRCh38, 1-based): chr19:55,156,287, C>T on the plus strand (G>A on the coding strand, the complement: TNNI3 is on the minus strand). VCF-style: chr19-55156287-C-T. GRCh37 (hg19) VCF-style: chr19-55667655-C-T.
Other names: short protein forms E66K.
Identifiers: ClinVar variation 3641031 (VCV003641031.4).